The following is an entry in ClinVar:

ClinVar aggregate classification (germline): Likely benign. Review status: criteria provided, multiple submitters, no conflicts (2 of 4 stars). 2 submissions from 2 submitters: Likely benign (2). Last evaluated 2023-03-24.

Allele frequency attached by ClinVar (database versions not stated): TOPMed below 0.00001; gnomAD exomes 0.00001 and 0.00004.
gnomAD v4.1: 5 of 1,551,670 alleles (0.00032%); highest among the groups gnomAD compares: Admixed American, 0.0098%; no homozygotes.

Submissions (2):

Labcorp Genetics (formerly Invitae), Labcorp
Classification: Likely benign. Last evaluated: 2023-03-24. Review status: criteria provided, single submitter. Criteria: Invitae Variant Classification Sherloc (09022015). Collection method: clinical testing. Allele origin: germline.

GeneDx
Classification: Likely benign. Last evaluated: 2017-12-19. Review status: criteria provided, single submitter. Criteria: GeneDx Variant Classification (06012015). Collection method: clinical testing. Allele origin: germline. Affected: yes.
Comment: This variant is considered likely benign or benign based on one or more of the following criteria: it is a conservative change, it occurs at a poorly conserved position in the protein, it is predicted to be benign by multiple in silico algorithms, and/or has population frequency not consistent with disease.

NM_001384474.1(LOXHD1):c.1654+10G>A

Gene: LOXHD1 (lipoxygenase homology PLAT domains 1; minus strand). Cytogenetic location: 18q21.1.
Variant type: single nucleotide variant.
Coding change: c.1654+10G>A on transcript NM_001384474.1 (MANE Select); 10 bases into the intron after coding-DNA position 1654, G replaced by A.
Molecular consequence: intron variant.
Genome position (GRCh38, 1-based): chr18:46,591,923, C>T on the plus strand (G>A on the coding strand, the complement: LOXHD1 is on the minus strand). VCF-style: chr18-46591923-C-T. GRCh37 (hg19) VCF-style: chr18-44171886-C-T.
Other names: c.1654+10G>A (NM_144612.7).
Identifiers: ClinVar variation 514243 (VCV000514243.11), dbSNP rs1200519632, ClinGen allele CA629503166.
Genomic context (GRCh38, chr18:46,591,923, plus strand): 5'-GGTCAGGCCCATCGGGACACCAAGCAGGAGTTCCACTGCCTCCCAGGATGGAGAGCCTGT[C>T]AGTACTTACTGCCCATGATCCTGCGCACTGTTGGGCCTTCTGCAGTCATTTCCCTCACTA-3'